The following is an entry in ClinVar:

NM_001376256.1(CRYM):c.864C>G (p.Thr288=)

Gene: CRYM (crystallin mu; minus strand). Cytogenetic location: 16p12.2.
Variant type: single nucleotide variant.
Coding change: c.864C>G on transcript NM_001376256.1 (MANE Select); coding-DNA position 864, C replaced by G.
Protein change: p.Thr288=; no amino-acid change (threonine 288 retained).
Molecular consequence: synonymous variant.
Genome position (GRCh38, 1-based): chr16:21,261,270, G>C on the plus strand (C>G on the coding strand, the complement: CRYM is on the minus strand). VCF-style: chr16-21261270-G-C. GRCh37 (hg19) VCF-style: chr16-21272591-G-C.
Other names: p.Thr288=; c.864C>G, p.Thr288= (NM_001888.5).
Identifiers: ClinVar variation 44241 (VCV000044241.22), dbSNP rs14122, ClinGen allele CA133800.

ClinVar aggregate classification (germline): Benign. Review status: criteria provided, multiple submitters, no conflicts (2 of 4 stars). 9 submissions from 9 submitters: Benign (7). 2 of the submissions do not count toward it. Last evaluated 2026-02-04.

Conditions:
Autosomal dominant nonsyndromic hearing loss 40. Also called: Deafness, autosomal dominant 40. Identifiers: Orphanet 90635, MedGen C4084708, MONDO:0014603, OMIM 616357.

Allele frequency attached by ClinVar (database versions not stated): 1000 Genomes Project 30x 0.51093; TOPMed 0.52392; ESP Exome Variant Server 0.53147; 1000 Genomes Project 0.50260.
gnomAD v4.1: 703,703 of 1,611,502 alleles (44%); highest among the groups gnomAD compares: African/African-American, 78%; 159,599 homozygotes.

Submissions (10):

Labcorp Genetics (formerly Invitae), Labcorp
Classification: Benign. Last evaluated: 2026-02-04. Review status: criteria provided, single submitter. Criteria: Invitae Variant Classification Sherloc (09022015). Collection method: clinical testing. Allele origin: germline.

Genome-Nilou Lab
Classification: Benign for Autosomal dominant nonsyndromic hearing loss 40. Last evaluated: 2021-07-30. Review status: criteria provided, single submitter. Criteria: ACMG Guidelines, 2015. Collection method: clinical testing. Allele origin: germline. Affected: no.

Mayo Clinic Laboratories, Mayo Clinic
Classification: Benign. Last evaluated: 2020-10-02. Review status: criteria provided, single submitter. Criteria: ACMG Guidelines, 2015. Collection method: clinical testing. Allele origin: germline. Observed: 107 variant alleles.

GeneDx
Classification: Benign. Last evaluated: 2017-05-09. Review status: criteria provided, single submitter. Criteria: GeneDx Variant Classification (06012015). Collection method: clinical testing. Allele origin: germline. Affected: yes.
Comment: This variant is considered likely benign or benign based on one or more of the following criteria: it is a conservative change, it occurs at a poorly conserved position in the protein, it is predicted to be benign by multiple in silico algorithms, and/or has population frequency not consistent with disease.

Laboratory for Molecular Medicine, Mass General Brigham Personalized Medicine
Classification: Benign. Last evaluated: 2012-05-07. Review status: criteria provided, single submitter. Criteria: LMM Criteria. Collection method: clinical testing. Allele origin: germline. Observed: 423 variant alleles.
Comment: "Thr288Thr in Exon 09 of CRYM: This variant is not expected to have clinical sig nificance because it does not alter an amino acid residue, is not located within the splice consensus sequence, and has been identified in 41.4% (2906/7020) of European American chromosomes from a broad population by the NHLBI Exome Sequenc ing Project (dbSNP rs14122)."

Breakthrough Genomics
Classification: Benign. Review status: criteria provided, single submitter. Criteria: ACMG Guidelines, 2015. Collection method: not provided. Allele origin: germline. Inheritance: Autosomal dominant inheritance. Affected: yes.

PreventionGenetics, part of Exact Sciences
Classification: Benign. Review status: criteria provided, single submitter. Criteria: ACMG Guidelines, 2015. Collection method: clinical testing. Allele origin: germline.

Clinical Genetics, Academic Medical Center
Classification: Benign. Review status: no assertion criteria provided. Collection method: clinical testing. Allele origin: germline. Affected: yes. Study: VKGL Data-share Consensus. Not counted in ClinVar's aggregate classification.

Dr. Peter K. Rogan Lab, Western University
No classification provided (evidence only). Condition: Familial cancer of breast. Review status: no classification provided. Collection method: in vitro. Allele origin: not applicable. Functional consequence: retained intron. Not counted in ClinVar's aggregate classification.

Joint Genome Diagnostic Labs from Nijmegen and Maastricht, Radboudumc and MUMC+
Classification: Benign. Review status: no assertion criteria provided. Collection method: clinical testing. Allele origin: germline. Affected: yes. Study: VKGL Data-share Consensus. Not counted in ClinVar's aggregate classification.